The following is an entry in ClinVar:

NM_001372106.1(DNAH10):c.10836C>T (p.Asn3612=)

Gene: DNAH10 (dynein axonemal heavy chain 10; plus strand). Cytogenetic location: 12q24.31.
Variant type: single nucleotide variant.
Coding change: c.10836C>T on transcript NM_001372106.1 (MANE Select); coding-DNA position 10836, C replaced by T.
Protein change: p.Asn3612=; no amino-acid change (asparagine 3612 retained).
Molecular consequence: synonymous variant.
Genome position (GRCh38, 1-based): chr12:123,916,570, C>T. VCF-style: chr12-123916570-C-T. GRCh37 (hg19) VCF-style: chr12-124401117-C-T.
Other names: c.10482C>T, p.Asn3494= (NM_207437.3).
Identifiers: ClinVar variation 3344919 (VCV003344919.1).
Genomic context (GRCh38, chr12:123,916,570, plus strand): 5'-GTACGGGACCCCTTTCCTGTTCCGCGATGTTGATGAATACATCGATCCTGTGATTGACAA[C>T]GTCTTAGAAAAAAATATAAAAGTCTCCCAAGGACGGCAGTTTATTATCCTGGGAGACAAG-3'
Protein context (NP_001359035.1, residues 3602-3622): VDEYIDPVID[Asn3612=]VLEKNIKVSQ

ClinVar aggregate classification (germline): Benign (0 of 4 stars; one submission).

Conditions:
DNAH10-related disorder. Also called: DNAH10-related condition.

gnomAD v4.1: 21,674 of 1,613,728 alleles (1.3%); highest among the groups gnomAD compares: African/African-American, 19%; 1,511 homozygotes.

Submission:

PreventionGenetics, part of Exact Sciences
Classification: Benign for DNAH10-related condition. Last evaluated: 2024-05-15. Review status: no assertion criteria provided. Collection method: clinical testing. Allele origin: germline.
Comment: This variant is classified as benign based on ACMG/AMP sequence variant interpretation guidelines (Richards et al. 2015 PMID: 25741868, with internal and published modifications).